The following is an entry in ClinVar:

ClinVar aggregate classification (germline): Uncertain significance. Review status: criteria provided, multiple submitters, no conflicts (2 of 4 stars). 2 submissions from 2 submitters: Uncertain significance (2). Last evaluated 2023-10-26.

Conditions:
Nephrolithiasis/nephrocalcinosis. Identifiers: MedGen CN580796.
Familial hypocalciuric hypercalcemia (FHH). Also called: Familial benign hypercalcemia. Identifiers: Orphanet 405, MedGen C1809471, MONDO:0018458.
Autosomal dominant hypocalcemia 1 (HYPOC1). Also called: HYPOCALCEMIA, FAMILIAL. Identifiers: MedGen C3715128, MONDO:0011013, OMIM 601198.

Submissions (2):

Ambry Genetics
Classification: Uncertain significance for Nephrolithiasis/nephrocalcinosis. Last evaluated: 2023-10-26. Review status: criteria provided, single submitter. Criteria: Ambry Variant Classification Scheme 2023. Collection method: clinical testing. Allele origin: germline.
Comment: The p.P369S variant (also known as c.1105C>T), located in coding exon 3 of the CASR gene, results from a C to T substitution at nucleotide position 1105. The proline at codon 369 is replaced by serine, an amino acid with similar properties. This amino acid position is conserved. In addition, this alteration is predicted to be tolerated by in silico analysis. Since supporting evidence is limited at this time, the clinical significance of this alteration remains unclear.

Labcorp Genetics (formerly Invitae), Labcorp
Classification: Uncertain significance for Familial hypocalciuric hypercalcemia; Autosomal dominant hypocalcemia 1. Last evaluated: 2021-09-15. Review status: criteria provided, single submitter. Criteria: Invitae Variant Classification Sherloc (09022015). Collection method: clinical testing. Allele origin: germline.
Comment: This variant is not present in population databases (ExAC no frequency). In summary, the available evidence is currently insufficient to determine the role of this variant in disease. Therefore, it has been classified as a Variant of Uncertain Significance. Algorithms developed to predict the effect of missense changes on protein structure and function output the following: SIFT: "Tolerated"; PolyPhen-2: "Benign"; Align-GVGD: "Class C0". The serine amino acid residue is found in multiple mammalian species, which suggests that this missense change does not adversely affect protein function. This variant has not been reported in the literature in individuals affected with CASR-related conditions. This sequence change replaces proline with serine at codon 369 of the CASR protein (p.Pro369Ser). The proline residue is moderately conserved and there is a moderate physicochemical difference between proline and serine.

NM_000388.4(CASR):c.1105C>T (p.Pro369Ser)

Gene: CASR (calcium sensing receptor; plus strand). Cytogenetic location: 3q21.1.
Variant type: single nucleotide variant.
Coding change: c.1105C>T on transcript NM_000388.4 (MANE Select); coding-DNA position 1105, C replaced by T.
Protein change: p.Pro369Ser; replaces proline 369 with serine.
Molecular consequence: missense variant.
Genome position (GRCh38, 1-based): chr3:122,262,140, C>T. VCF-style: chr3-122262140-C-T. GRCh37 (hg19) VCF-style: chr3-121980987-C-T.
Other names: c.1105C>T, p.Pro369Ser (NM_001178065.2); c.1105C>T (NM_000388.3); short protein forms P369S.
Identifiers: ClinVar variation 1364585 (VCV001364585.7), dbSNP rs1217895146, ClinGen allele CA354152600.